The following is an entry in ClinVar:

NM_000419.5(ITGA2B):c.188+8G>A

Gene: ITGA2B (integrin subunit alpha 2b; minus strand). Cytogenetic location: 17q21.31.
Variant type: single nucleotide variant.
Coding change: c.188+8G>A on transcript NM_000419.5 (MANE Select); 8 bases into the intron after coding-DNA position 188, G replaced by A.
Molecular consequence: intron variant.
Genome position (GRCh38, 1-based): chr17:44,389,278, C>T on the plus strand (G>A on the coding strand, the complement: ITGA2B is on the minus strand). VCF-style: chr17-44389278-C-T. GRCh37 (hg19) VCF-style: chr17-42466646-C-T.
Other names: c.188+8G>A (LRG_479t1).
Identifiers: ClinVar variation 323573 (VCV000323573.17), dbSNP rs13306471, ClinGen allele CA8603524.

ClinVar aggregate classification (germline): Benign. Review status: reviewed by expert panel (3 of 4 stars). 5 submissions from 5 submitters: Benign (1). 4 of the submissions do not count toward it. Last evaluated 2023-10-17.

Conditions:
Glanzmann thrombasthenia. Also called: PLATELET GLYCOPROTEIN IIb-IIIa DEFICIENCY; THROMBASTHENIA OF GLANZMANN AND NAEGELI; Glanzmann's thrombasthenia; Thrombasthenia. Identifiers: Orphanet 849, MedGen C0040015, MONDO:0100326.

Allele frequency attached by ClinVar (database versions not stated): ESP Exome Variant Server 0.00008; TOPMed 0.00074; 1000 Genomes Project 0.00160.

Submissions (5):

ClinGen Platelet Disorders Variant Curation Expert Panel, ClinGen
Classification: Benign for Glanzmann thrombasthenia. Last evaluated: 2023-10-17. Review status: reviewed by expert panel. Criteria: ClinGen Platelet ACMG Specifications v2-1. Collection method: curation. Allele origin: germline. Inheritance: Autosomal recessive inheritance.
Comment: The c.188+8G>A (NM_000419.5) variant in ITGA2B is an intronic variant which is in intron 1. The highest population minor allele frequency in gnomAD v2.1.1 is 0.009779 (195/19940 alleles) in East Asian population, which is higher than the ClinGen PD VCEP threshold (>0.0024), and therefore meets this criterion (BA1). The c.188+8G>A variant is an intronic variant that is not predicted by SpliceAI to impact splicing. In addition, it occurs at a nucleotide that is not conserved as shown by phyloP score of -2.9895 (BP7). In summary, this variant meets the criteria to be classified as benign for autosomal recessive Glanzmann Thrombasthenia based on the ACMG/AMP criteria applied, as specified by the ClinGen PD VCEP: BA1, BP7.

Labcorp Genetics (formerly Invitae), Labcorp
Classification: Benign for Glanzmann thrombasthenia. Last evaluated: 2025-09-01. Review status: criteria provided, single submitter. Criteria: Invitae Variant Classification Sherloc (09022015). Collection method: clinical testing. Allele origin: germline. Not counted in ClinVar's aggregate classification.

CeGaT Center for Human Genetics Tuebingen
Classification: Likely benign. Last evaluated: 2025-03-01. Review status: criteria provided, single submitter. Criteria: CeGaT Center For Human Genetics Tuebingen Variant Classification Criteria Version 2. Collection method: clinical testing. Allele origin: germline. Affected: yes. Observed: 1 variant allele. Not counted in ClinVar's aggregate classification.
Comment: ITGA2B: BP4

Blueprint Genetics
Classification: Likely benign. Last evaluated: 2024-11-15. Review status: criteria provided, single submitter. Criteria: ACMG Guidelines, 2015. Collection method: clinical testing. Allele origin: germline. Not counted in ClinVar's aggregate classification.

Illumina Laboratory Services, Illumina
Classification: Likely benign for Glanzmann thrombasthenia 1. Last evaluated: 2018-01-13. Review status: criteria provided, single submitter. Criteria: ICSL Variant Classification Criteria 13 December 2019. Collection method: clinical testing. Allele origin: germline. Not counted in ClinVar's aggregate classification.
Comment: This variant was observed in the ICSL laboratory as part of a predisposition screen in an ostensibly healthy population. It had not been previously curated by ICSL or reported in the Human Gene Mutation Database (HGMD: prior to June 1st, 2018), and was therefore a candidate for classification through an automated scoring system. Utilizing variant allele frequency, disease prevalence and penetrance estimates, and inheritance mode, an automated score was calculated to assess if this variant is too frequent to cause the disease. Based on the score and internal cut-off values, a variant classified as likely benign is not then subjected to further curation. The score for this variant resulted in a classification of likely benign for this disease.